The following is an entry in ClinVar:

ClinVar aggregate classification (germline): Uncertain significance. Review status: criteria provided, multiple submitters, no conflicts (2 of 4 stars). 2 submissions from 2 submitters: Uncertain significance (2). Last evaluated 2025-03-22.

Conditions:
Perlman syndrome (PRLMNS). Identifiers: Orphanet 2849, MedGen C0796113, MONDO:0009965, OMIM 267000.
Inborn genetic diseases. Identifiers: MedGen C0950123, MeSH D030342.

Allele frequency attached by ClinVar (database versions not stated): gnomAD exomes below 0.00001 and 0.00001; ExAC 0.00002; gnomAD 0.00003 and 0.00004; TOPMed 0.00003.
gnomAD v4.1: 10 of 1,602,978 alleles (0.00062%); highest among the groups gnomAD compares: African/African-American, 0.0095%; no homozygotes.

Submissions (2):

Ambry Genetics
Classification: Uncertain significance for Inborn genetic diseases. Last evaluated: 2025-03-22. Review status: criteria provided, single submitter. Criteria: Ambry Variant Classification Scheme 2023. Collection method: clinical testing. Allele origin: germline.

Labcorp Genetics (formerly Invitae), Labcorp
Classification: Uncertain significance for Perlman syndrome. Last evaluated: 2023-08-23. Review status: criteria provided, single submitter. Criteria: Invitae Variant Classification Sherloc (09022015). Collection method: clinical testing. Allele origin: germline.
Comment: This sequence change replaces isoleucine, which is neutral and non-polar, with valine, which is neutral and non-polar, at codon 94 of the DIS3L2 protein (p.Ile94Val). This variant is present in population databases (rs776938907, gnomAD 0.02%). This variant has not been reported in the literature in individuals affected with DIS3L2-related conditions. ClinVar contains an entry for this variant (Variation ID: 641024). Advanced modeling of protein sequence and biophysical properties (such as structural, functional, and spatial information, amino acid conservation, physicochemical variation, residue mobility, and thermodynamic stability) performed at Invitae indicates that this missense variant is not expected to disrupt DIS3L2 protein function. In summary, the available evidence is currently insufficient to determine the role of this variant in disease. Therefore, it has been classified as a Variant of Uncertain Significance.

NM_152383.5(DIS3L2):c.280A>G (p.Ile94Val)

Gene: DIS3L2 (DIS3 like 3'-5' exoribonuclease 2; plus strand). Cytogenetic location: 2q37.1.
Variant type: single nucleotide variant.
Coding change: c.280A>G on transcript NM_152383.5 (MANE Select); coding-DNA position 280, A replaced by G.
Protein change: p.Ile94Val; replaces isoleucine 94 with valine.
Molecular consequence: missense variant. On other transcripts: non-coding transcript variant (2).
Genome position (GRCh38, 1-based): chr2:232,029,994, A>G. VCF-style: chr2-232029994-A-G. GRCh37 (hg19) VCF-style: chr2-232894704-A-G.
Other names: c.280A>G, p.Ile94Val (NM_001257281.2, NM_001257282.2); short protein forms I94V.
Identifiers: ClinVar variation 641024 (VCV000641024.9), dbSNP rs776938907, ClinGen allele CA2163786.